The following is an entry in ClinVar:

NM_145059.3(FCSK):c.557A>G (p.His186Arg)

Gene: FCSK (fucose kinase; plus strand). Cytogenetic location: 16q22.1.
Variant type: single nucleotide variant.
Coding change: c.557A>G on transcript NM_145059.3 (MANE Select); coding-DNA position 557, A replaced by G.
Protein change: p.His186Arg; replaces histidine 186 with arginine.
Molecular consequence: missense variant.
Genome position (GRCh38, 1-based): chr16:70,467,446, A>G. VCF-style: chr16-70467446-A-G. GRCh37 (hg19) VCF-style: chr16-70501349-A-G.
Other names: short protein forms H186R.
Identifiers: ClinVar variation 1682353 (VCV001682353.6), dbSNP rs773231437, ClinGen allele CA8142981.

ClinVar aggregate classification (germline): Uncertain significance (1 of 4 stars; one submission).

Allele frequency attached by ClinVar (database versions not stated): ExAC 0.00001; gnomAD exomes 0.00001.
gnomAD v4.1: 7 of 1,607,844 alleles (0.00044%); highest among the groups gnomAD compares: Admixed American, 0.0051%; no homozygotes.

Submission:

Labcorp Genetics (formerly Invitae), Labcorp
Classification: Uncertain significance. Last evaluated: 2021-11-17. Review status: criteria provided, single submitter. Criteria: Invitae Variant Classification Sherloc (09022015). Collection method: clinical testing. Allele origin: germline.
Comment: In summary, the available evidence is currently insufficient to determine the role of this variant in disease. Therefore, it has been classified as a Variant of Uncertain Significance. Algorithms developed to predict the effect of missense changes on protein structure and function are either unavailable or do not agree on the potential impact of this missense change (SIFT: "Deleterious"; PolyPhen-2: "Probably Damaging"; Align-GVGD: "Class C0"). This variant has not been reported in the literature in individuals affected with FUK-related conditions. The frequency data for this variant in the population databases is considered unreliable, as metrics indicate poor data quality at this position in the gnomAD database. This sequence change replaces histidine, which is basic and polar, with arginine, which is basic and polar, at codon 186 of the FUK protein (p.His186Arg).